The following is an entry in ClinVar:

NC_000007.13:g.(?_107344756)_(107344850_?)del

Gene: SLC26A4 (solute carrier family 26 member 4; plus strand). Cytogenetic location: 7q22.3.
Variant type: Deletion.
Identifiers: ClinVar variation 3245845 (VCV003245845.1).

ClinVar aggregate classification (germline): Pathogenic (1 of 4 stars; one submission).

Submission:

Labcorp Genetics (formerly Invitae), Labcorp
Classification: Pathogenic. Last evaluated: 2023-01-12. Review status: criteria provided, single submitter. Criteria: Invitae Variant Classification Sherloc (09022015). Collection method: clinical testing. Allele origin: unknown.
Comment: For these reasons, this variant has been classified as Pathogenic. This variant has not been reported in the literature in individuals affected with SLC26A4-related conditions. This variant is a gross deletion of the genomic region encompassing exon(s) 18 of the SLC26A4 gene. This deletion is out-of-frame, and is expected to create a premature termination codon and result in an absent or disrupted protein product. Loss-of-function variants in SLC26A4 are known to be pathogenic (PMID: 16283880, 25394566, 26252218, 26445815).

Literature cited by the submitters: PubMed 16283880; PubMed 25394566; PubMed 26252218; PubMed 26445815.